The following is an entry in ClinVar:

ClinVar aggregate classification (germline): Likely benign. Review status: criteria provided, multiple submitters, no conflicts (2 of 4 stars). 3 submissions from 3 submitters: Likely benign (3). Last evaluated 2026-05-22.

Conditions:
BPTF-related disorder. Also called: BPTF-related condition.

Allele frequency attached by ClinVar (database versions not stated): gnomAD 0.00001; TOPMed 0.00001; ExAC 0.00002; gnomAD exomes 0.00002.
gnomAD v4.1: 28 of 1,614,014 alleles (0.0017%); highest among the groups gnomAD compares: Non-Finnish European, 0.0023%; no homozygotes.

Submissions (3):

PreventionGenetics, part of Exact Sciences
Classification: Likely benign for BPTF-related condition. Last evaluated: 2026-05-22. Review status: criteria provided, single submitter. Criteria: ACMG Guidelines, 2015. Collection method: clinical testing. Allele origin: germline.
Comment: This variant is classified as likely benign based on ACMG/AMP sequence variant interpretation guidelines (Richards et al. 2015 PMID: 25741868, with internal and published modifications).

Labcorp Genetics (formerly Invitae), Labcorp
Classification: Likely benign. Last evaluated: 2025-07-14. Review status: criteria provided, single submitter. Criteria: Invitae Variant Classification Sherloc (09022015). Collection method: clinical testing. Allele origin: germline.

CeGaT Center for Human Genetics Tuebingen
Classification: Likely benign. Last evaluated: 2025-03-01. Review status: criteria provided, single submitter. Criteria: CeGaT Center For Human Genetics Tuebingen Variant Classification Criteria Version 2. Collection method: clinical testing. Allele origin: germline. Affected: yes. Observed: 2 variant alleles.
Comment: BPTF: BP4, BP7

NM_182641.4(BPTF):c.6795A>G (p.Pro2265=)

Gene: BPTF (bromodomain PHD finger transcription factor; plus strand). Cytogenetic location: 17q24.2.
Variant type: single nucleotide variant.
Coding change: c.6795A>G on transcript NM_182641.4 (MANE Select); coding-DNA position 6795, A replaced by G.
Protein change: p.Pro2265=; no amino-acid change (proline 2265 retained).
Molecular consequence: synonymous variant.
Genome position (GRCh38, 1-based): chr17:67,945,503, A>G. VCF-style: chr17-67945503-A-G. GRCh37 (hg19) VCF-style: chr17-65941619-A-G.
Other names: c.7173A>G, p.Pro2391= (NM_004459.7); c.6795A>G (NM_182641.3).
Identifiers: ClinVar variation 2648146 (VCV002648146.28), dbSNP rs200200542, ClinGen allele CA8726283.